The following is an entry in ClinVar:

NM_176787.5(PIGN):c.1694G>T (p.Arg565Leu)

Gene: PIGN (phosphatidylinositol glycan anchor biosynthesis class N; minus strand). Cytogenetic location: 18q21.33.
Variant type: single nucleotide variant.
Coding change: c.1694G>T on transcript NM_176787.5 (MANE Select); coding-DNA position 1694, G replaced by T.
Protein change: p.Arg565Leu; replaces arginine 565 with leucine.
Molecular consequence: missense variant.
Genome position (GRCh38, 1-based): chr18:62,106,862, C>A on the plus strand (G>T on the coding strand, the complement: PIGN is on the minus strand). VCF-style: chr18-62106862-C-A. GRCh37 (hg19) VCF-style: chr18-59774095-C-A.
Other names: c.1694G>T, p.Arg565Leu (NM_012327.6); short protein forms R565L.
Identifiers: ClinVar variation 391067 (VCV000391067.48), dbSNP rs201835155, ClinGen allele CA8982198.

ClinVar aggregate classification (germline): Conflicting classifications of pathogenicity. Review status: criteria provided, conflicting classifications (1 of 4 stars). 8 submissions from 8 submitters: Pathogenic (3); Likely pathogenic (1); Uncertain significance (4). Last evaluated 2025-12-21.

Conditions:
Multiple congenital anomalies-hypotonia-seizures syndrome 1 (MCAHS1). Also called: PIGN-CDG; Congenital disorder of glycosylation due to PIGN deficiency; GLYCOSYLPHOSPHATIDYLINOSITOL BIOSYNTHESIS DEFECT 3. Identifiers: Orphanet 280633, MedGen C3279775, MONDO:0013563, OMIM 614080.
Inborn genetic diseases. Identifiers: MedGen C0950123, MeSH D030342.

Allele frequency attached by ClinVar (database versions not stated): TOPMed 0.00002.

Submissions (8):

Labcorp Genetics (formerly Invitae), Labcorp
Classification: Pathogenic for Multiple congenital anomalies-hypotonia-seizures syndrome 1. Last evaluated: 2025-12-21. Review status: criteria provided, single submitter. Criteria: Invitae Variant Classification Sherloc (09022015). Collection method: clinical testing. Allele origin: germline.
Comment: This sequence change replaces arginine, which is basic and polar, with leucine, which is neutral and non-polar, at codon 565 of the PIGN protein (p.Arg565Leu). The frequency data for this variant in the population databases is considered unreliable, as metrics indicate poor data quality at this position in the gnomAD database. This missense change has been observed in individual(s) with clinical features of PIGN-related conditions (PMID: 32220244, 35322241; internal data). In at least one individual the data is consistent with being in trans (on the opposite chromosome) from a pathogenic variant. ClinVar contains an entry for this variant (Variation ID: 391067). Invitae Evidence Modeling of protein sequence and biophysical properties (such as structural, functional, and spatial information, amino acid conservation, physicochemical variation, residue mobility, and thermodynamic stability) indicates that this missense variant is expected to disrupt PIGN protein function with a positive predictive value of 80%. For these reasons, this variant has been classified as Pathogenic.

GeneDx
Classification: Pathogenic. Last evaluated: 2025-05-21. Review status: criteria provided, single submitter. Criteria: GeneDx Variant Classification Process June 2021. Collection method: clinical testing. Allele origin: germline. Affected: yes.
Comment: Not observed at significant frequency in large population cohorts (gnomAD); In silico analysis supports that this missense variant has a deleterious effect on protein structure/function; This variant is associated with the following publications: (PMID: 35322241, Xiuwei_2021, 32220244, 38456468, 38256219)

Ambry Genetics
Classification: Pathogenic for Inborn genetic diseases. Last evaluated: 2025-03-18. Review status: criteria provided, single submitter. Criteria: Ambry Variant Classification Scheme 2023. Collection method: clinical testing. Allele origin: germline.
Comment: The c.1694G>T (p.R565L) alteration is located in exon 19 (coding exon 16) of the PIGN gene. This alteration results from a G to T substitution at nucleotide position 1694, causing the arginine (R) at amino acid position 565 to be replaced by a leucine (L). Based on data from gnomAD, the T allele has an overall frequency of 0.001% (3/239518) total alleles studied. The highest observed frequency was 0.006% (2/33600) of Latino alleles. This variant has been identified in the homozygous state and/or in conjunction with other PIGN variant(s) in individual(s) with features consistent with PIGN-related glycosylphosphatidylinositol deficiency (Brea-Fern&aacute;ndez, 2022; Sidpra, 2024; Vetri, 2024). Another alteration at the same codon, c.1694G>A (p.R565H), has been detected in an individual with clinical features consistent with PIGN-related glycosylphosphatidylinositol deficiency (Jiao, 2020). This amino acid position is highly conserved in available vertebrate species. This alteration is predicted to be deleterious by in silico analysis. Based on the available evidence, this alteration is classified as pathogenic.

Fulgent Genetics
Classification: Likely pathogenic for Multiple congenital anomalies-hypotonia-seizures syndrome 1. Last evaluated: 2024-03-28. Review status: criteria provided, single submitter. Criteria: ACMG Guidelines, 2015. Collection method: clinical testing. Allele origin: germline.

CeGaT Center for Human Genetics Tuebingen
Classification: Uncertain significance. Last evaluated: 2023-03-01. Review status: criteria provided, single submitter. Criteria: CeGaT Center For Human Genetics Tuebingen Variant Classification Criteria Version 2. Collection method: clinical testing. Allele origin: germline. Affected: yes. Observed: 1 variant allele.
Comment: PIGN: PM2, PM3

Mendelics
Classification: Uncertain significance. Last evaluated: 2022-05-04. Review status: criteria provided, single submitter. Criteria: Mendelics Assertion Criteria 2019. Collection method: clinical testing. Allele origin: germline.

CENTOGENE GmbH and LLC - Guiding Precision Medicine
Classification: Uncertain significance for Multiple congenital anomalies-hypotonia-seizures syndrome 1. Last evaluated: 2019-06-20. Review status: criteria provided, single submitter. Criteria: ACMG Guidelines, 2015. Collection method: clinical testing. Allele origin: germline. Affected: yes.

Baylor Genetics
Classification: Uncertain significance for Multiple congenital anomalies-hypotonia-seizures syndrome 1. Last evaluated: 2018-07-19. Review status: criteria provided, single submitter. Criteria: ACMG Guidelines, 2015. Collection method: clinical testing. Allele origin: unknown. Affected: yes.
Comment: This variant was determined to be of uncertain significance according to ACMG Guidelines, 2015 [PMID:25741868].

Literature cited by the submitters: PubMed 32220244 (cited by Labcorp Genetics (formerly Invitae), Labcorp and Ambry Genetics); PubMed 35322241 (cited by Labcorp Genetics (formerly Invitae), Labcorp and Ambry Genetics); PubMed 38256219 (cited by Ambry Genetics); PubMed 38456468 (cited by Ambry Genetics).